The following is an entry in ClinVar:

NM_006734.4(HIVEP2):c.3131C>A (p.Pro1044Gln)

Gene: HIVEP2 (HIVEP zinc finger 2; minus strand). Cytogenetic location: 6q24.2.
Variant type: single nucleotide variant.
Coding change: c.3131C>A on transcript NM_006734.4 (MANE Select); coding-DNA position 3131, C replaced by A.
Protein change: p.Pro1044Gln; replaces proline 1044 with glutamine.
Molecular consequence: missense variant.
Genome position (GRCh38, 1-based): chr6:142,771,608, G>T on the plus strand (C>A on the coding strand, the complement: HIVEP2 is on the minus strand). VCF-style: chr6-142771608-G-T. GRCh37 (hg19) VCF-style: chr6-143092745-G-T.
Other names: short protein forms P1044Q.
Identifiers: ClinVar variation 3641093 (VCV003641093.2).

ClinVar aggregate classification (germline): Uncertain significance (1 of 4 stars; one submission).

Submission:

Labcorp Genetics (formerly Invitae), Labcorp
Classification: Uncertain significance. Last evaluated: 2024-05-29. Review status: criteria provided, single submitter. Criteria: Invitae Variant Classification Sherloc (09022015). Collection method: clinical testing. Allele origin: germline.
Comment: This sequence change replaces proline, which is neutral and non-polar, with glutamine, which is neutral and polar, at codon 1044 of the HIVEP2 protein (p.Pro1044Gln). This variant is not present in population databases (gnomAD no frequency). This variant has not been reported in the literature in individuals affected with HIVEP2-related conditions. This missense change has been observed in at least one individual who was not affected with HIVEP2-related conditions (Invitae). Advanced modeling of protein sequence and biophysical properties (such as structural, functional, and spatial information, amino acid conservation, physicochemical variation, residue mobility, and thermodynamic stability) performed at Invitae indicates that this missense variant is expected to disrupt HIVEP2 protein function with a positive predictive value of 80%. In summary, the available evidence is currently insufficient to determine the role of this variant in disease. Therefore, it has been classified as a Variant of Uncertain Significance.